The following is an entry in ClinVar:

ClinVar aggregate classification (germline): Likely benign. Review status: criteria provided, single submitter (1 of 4 stars). 2 submissions from 2 submitters: Likely benign (1). 1 of the submissions does not count toward it. Last evaluated 2022-12-01.

Conditions:
PTPRD-related disorder. Also called: PTPRD-related condition.

Allele frequency attached by ClinVar (database versions not stated): 1000 Genomes Project 0.00060; 1000 Genomes Project 30x 0.00062; TOPMed 0.00144; gnomAD 0.00145; ESP Exome Variant Server 0.00177; ExAC 0.00180; gnomAD exomes 0.00241.
gnomAD v4.1: 3,727 of 1,614,106 alleles (0.23%); highest among the groups gnomAD compares: Non-Finnish European, 0.26%; 10 homozygotes.

Submissions (2):

CeGaT Center for Human Genetics Tuebingen
Classification: Likely benign. Last evaluated: 2022-12-01. Review status: criteria provided, single submitter. Criteria: CeGaT Center For Human Genetics Tuebingen Variant Classification Criteria Version 2. Collection method: clinical testing. Allele origin: germline. Affected: yes. Observed: 1 variant allele.
Comment: PTPRD: BP4, BP7

PreventionGenetics, part of Exact Sciences
Classification: Likely benign for PTPRD-related condition. Last evaluated: 2019-09-19. Review status: no assertion criteria provided. Collection method: clinical testing. Allele origin: germline. Not counted in ClinVar's aggregate classification.
Comment: This variant is classified as likely benign based on ACMG/AMP sequence variant interpretation guidelines (Richards et al. 2015 PMID: 25741868, with internal and published modifications).

NM_002839.4(PTPRD):c.1980C>T (p.His660=)

Gene: PTPRD (protein tyrosine phosphatase receptor type D; minus strand). Cytogenetic location: 9p24.1.
Variant type: single nucleotide variant.
Coding change: c.1980C>T on transcript NM_002839.4 (MANE Select); coding-DNA position 1980, C replaced by T.
Protein change: p.His660=; no amino-acid change (histidine 660 retained).
Molecular consequence: synonymous variant. On other transcripts: intron variant (7).
Genome position (GRCh38, 1-based): chr9:8,500,902, G>A on the plus strand (C>T on the coding strand, the complement: PTPRD is on the minus strand). VCF-style: chr9-8500902-G-A. GRCh37 (hg19) VCF-style: chr9-8500902-G-A.
Other names: c.1980C>T, p.His660= (NM_001377958.1, NM_001378058.1); c.1792+3359C>T (NM_001171025.2); c.1804+3359C>T (NM_001377946.1, NM_130393.3); c.1813+3359C>T (NM_001377947.1, NM_001040712.2); c.1822+3359C>T (NM_130391.4, NM_130392.3); c.1980C>T (NM_002839.3).
Identifiers: ClinVar variation 2659066 (VCV002659066.25), dbSNP rs61733168, ClinGen allele CA4984344.